The following is an entry in ClinVar:

ClinVar aggregate classification (germline): Pathogenic. Review status: criteria provided, multiple submitters, no conflicts (2 of 4 stars). 8 submissions from 8 submitters: Pathogenic (8). Last evaluated 2025-10-21.

Conditions:
Oculocutaneous albinism type 1A (OCA1A). Also called: Albinism, oculocutaneous, type IA. Identifiers: Orphanet 352731, Orphanet 79431, MedGen C4551504, MONDO:0008745, OMIM 203100. Disease mechanism: loss of function.
Oculocutaneous albinism type 1B (OCA1B). Also called: YELLOW ALBINISM; ALBINISM, OCULOCUTANEOUS, TYPE IB; ALBINISM, YELLOW MUTANT TYPE. Identifiers: Orphanet 352731, Orphanet 352737, Orphanet 79434, MedGen C1847024, MONDO:0011749, OMIM 606952.
SKIN/HAIR/EYE PIGMENTATION 3, LIGHT/DARK SKIN (SHEP3). Also called: SKIN/HAIR/EYE PIGMENTATION 3, BLUE/GREEN EYE COLOR; SKIN/HAIR/EYE PIGMENTATION 3, FRECKLING; SKIN/HAIR/EYE PIGMENTATION, VARIATION IN, 3; EYE COLOR 1; EYE COLOR, GREEN/BLUE. Identifiers: MedGen C2677190, OMIM 601800.
Oculocutaneous albinism type 1. Also called: Albinism 1; ALBINISM I. Identifiers: Orphanet 352731, MedGen C0268494, MONDO:0018135. Disease mechanism: loss of function.
TYR-related disorder. Also called: TYR-related condition.

Allele frequency attached by ClinVar (database versions not stated): gnomAD 0.00003.
gnomAD v4.1: 21 of 1,613,350 alleles (0.0013%); highest among the groups gnomAD compares: African/African-American, 0.0067%; no homozygotes.

Submissions (8):

Labcorp Genetics (formerly Invitae), Labcorp
Classification: Pathogenic. Last evaluated: 2025-10-21. Review status: criteria provided, single submitter. Criteria: Invitae Variant Classification Sherloc (09022015). Collection method: clinical testing. Allele origin: germline.
Comment: This sequence change replaces arginine, which is basic and polar, with tryptophan, which is neutral and slightly polar, at codon 239 of the TYR protein (p.Arg239Trp). This variant is present in population databases (rs774670098, gnomAD 0.007%). This missense change has been observed in individual(s) with oculocutaneous albinism (PMID: 11858948, 30996339, 31077556). In at least one individual the data is consistent with being in trans (on the opposite chromosome) from a pathogenic variant. ClinVar contains an entry for this variant (Variation ID: 1323729). Invitae Evidence Modeling of protein sequence and biophysical properties (such as structural, functional, and spatial information, amino acid conservation, physicochemical variation, residue mobility, and thermodynamic stability) indicates that this missense variant is expected to disrupt TYR protein function with a positive predictive value of 95%. Experimental studies have shown that this missense change affects TYR function (PMID: 27537549). For these reasons, this variant has been classified as Pathogenic.

PreventionGenetics, part of Exact Sciences
Classification: Pathogenic for TYR-related condition. Last evaluated: 2025-08-22. Review status: criteria provided, single submitter. Criteria: ACMG Guidelines, 2015. Collection method: clinical testing. Allele origin: germline.
Comment: The TYR c.715C>T variant is predicted to result in the amino acid substitution p.Arg239Trp. This variant has been reported in the homozygous and compound heterozygous states in individuals with oculocutaneous albinism (Shakil et al. 2019. PubMed ID: 30996339; Zhong et al. 2019. PubMed ID: 31077556). A functional study using protein expression in cell culture found that the p.Arg239Trp substitution ablates enzymatic activity (Mondal et al. 2016. PubMed ID: 27537549). This variant is present in 0.0066% of alleles in individuals of South Asian descent in gnomAD. Given the evidence, we interpret this variant as pathogenic.

Department of Clinical Genetics, Copenhagen University Hospital, Rigshospitalet
Classification: Pathogenic for Oculocutaneous albinism type 1. Last evaluated: 2025-05-23. Review status: criteria provided, single submitter. Criteria: ACMG Guidelines, 2015. Collection method: clinical testing. Allele origin: germline.
Comment: The following ACMG criteria has been used: PS4_mod, PS3_sup, PM2_sup, PM3_str, PP3_mod

GeneDx
Classification: Pathogenic. Last evaluated: 2024-12-19. Review status: criteria provided, single submitter. Criteria: GeneDx Variant Classification Process June 2021. Collection method: clinical testing. Allele origin: germline. Affected: yes.
Comment: Published functional studies demonstrate a damaging effect with no enzyme activity (PMID: 27537549); In silico analysis supports that this missense variant has a deleterious effect on protein structure/function; This variant is associated with the following publications: (PMID: 30996339, 20806075, 31077556, 34838614, 11858948, 27537549)

Blueprint Genetics
Classification: Pathogenic for TYR-related disorders. Last evaluated: 2024-11-20. Review status: criteria provided, single submitter. Criteria: ACMG Guidelines, 2015. Collection method: clinical testing. Allele origin: germline. Affected: yes. Observed: 3 variant alleles.

Baylor Genetics
Classification: Pathogenic for SKIN/HAIR/EYE PIGMENTATION 3, LIGHT/DARK SKIN. Last evaluated: 2024-02-08. Review status: criteria provided, single submitter. Criteria: ACMG Guidelines, 2015. Collection method: clinical testing. Allele origin: unknown.

Revvity Omics, Revvity
Classification: Pathogenic. Last evaluated: 2020-01-17. Review status: criteria provided, single submitter. Criteria: ACMG Guidelines, 2015. Collection method: clinical testing. Allele origin: germline.

Juno Genomics, Hangzhou Juno Genomics, Inc
Classification: Pathogenic for SKIN/HAIR/EYE PIGMENTATION 3, LIGHT/DARK SKIN; Oculocutaneous albinism type 1A; Oculocutaneous albinism type 1B. Review status: criteria provided, single submitter. Criteria: ACMG Guidelines, 2015. Collection method: clinical testing. Allele origin: germline.
Comment: Absent from controls (or at extremely low frequency if recessive) in Genome Aggregation Database.;Multiple lines of computational evidence support a deleterious effect on the gene or gene product.;For recessive disorders, detected in trans with a pathogenic variant.

Literature cited by the submitters: PubMed 11858948 (cited by Labcorp Genetics (formerly Invitae), Labcorp and Department of Clinical Genetics, Copenhagen University Hospital, Rigshospitalet); PubMed 30996339 (cited by Labcorp Genetics (formerly Invitae), Labcorp); PubMed 31077556 (cited by Labcorp Genetics (formerly Invitae), Labcorp); PubMed 27537549 (cited by Labcorp Genetics (formerly Invitae), Labcorp).

NM_000372.5(TYR):c.715C>T (p.Arg239Trp)

Gene: TYR (tyrosinase; plus strand). Cytogenetic location: 11q14.3.
Variant type: single nucleotide variant.
Coding change: c.715C>T on transcript NM_000372.5 (MANE Select); coding-DNA position 715, C replaced by T.
Protein change: p.Arg239Trp; replaces arginine 239 with tryptophan.
Molecular consequence: missense variant.
Genome position (GRCh38, 1-based): chr11:89,178,668, C>T. VCF-style: chr11-89178668-C-T. GRCh37 (hg19) VCF-style: chr11-88911836-C-T.
Other names: short protein forms R239W.
Identifiers: ClinVar variation 1323729 (VCV001323729.17), dbSNP rs774670098, ClinGen allele CA6221174.